The following is an entry in ClinVar:

ClinVar aggregate classification (germline): Conflicting classifications of pathogenicity. Review status: criteria provided, conflicting classifications (1 of 4 stars). 5 submissions from 5 submitters: Uncertain significance (2); Likely benign (2). 1 of the submissions does not count toward it. Last evaluated 2025-06-03.

Conditions:
ABCB4-related disorder. Also called: ABCB4-related disorders; ABCB4-related condition.

Allele frequency attached by ClinVar (database versions not stated): gnomAD 0.00001; ExAC 0.00002; gnomAD exomes 0.00002; TOPMed 0.00003.
gnomAD v4.1: 29 of 1,613,818 alleles (0.0018%); highest among the groups gnomAD compares: Middle Eastern, 0.016%; no homozygotes.

Submissions (5):

Labcorp Genetics (formerly Invitae), Labcorp
Classification: Likely benign. Last evaluated: 2025-06-03. Review status: criteria provided, single submitter. Criteria: Invitae Variant Classification Sherloc (09022015). Collection method: clinical testing. Allele origin: germline.

Blueprint Genetics
Classification: Likely benign. Last evaluated: 2024-05-08. Review status: criteria provided, single submitter. Criteria: ACMG Guidelines, 2015. Collection method: clinical testing. Allele origin: germline.

Eurofins Ntd Llc (ga)
Classification: Uncertain significance. Last evaluated: 2018-08-03. Review status: criteria provided, single submitter. Criteria: EGL ClinVar v180209 classification definitions. Collection method: clinical testing. Allele origin: germline. Observed: 3 variant alleles, 3 heterozygotes.

Breakthrough Genomics
Classification: Uncertain significance. Review status: criteria provided, single submitter. Criteria: ACMG Guidelines, 2015. Collection method: not provided. Allele origin: germline. Inheritance: Autosomal recessive inheritance. Affected: yes.

PreventionGenetics, part of Exact Sciences
Classification: Likely benign for ABCB4-related condition. Last evaluated: 2021-11-11. Review status: no assertion criteria provided. Collection method: clinical testing. Allele origin: germline. Not counted in ClinVar's aggregate classification.
Comment: This variant is classified as likely benign based on ACMG/AMP sequence variant interpretation guidelines (Richards et al. 2015 PMID: 25741868, with internal and published modifications).

NM_000443.4(ABCB4):c.240G>A (p.Glu80=)

Gene: ABCB4 (ATP binding cassette subfamily B member 4; minus strand). Cytogenetic location: 7q21.12.
Variant type: single nucleotide variant.
Coding change: c.240G>A on transcript NM_000443.4 (MANE Select); coding-DNA position 240, G replaced by A.
Protein change: p.Glu80=; no amino-acid change (glutamic acid 80 retained).
Molecular consequence: synonymous variant.
Genome position (GRCh38, 1-based): chr7:87,462,804, C>T on the plus strand (G>A on the coding strand, the complement: ABCB4 is on the minus strand). VCF-style: chr7-87462804-C-T. GRCh37 (hg19) VCF-style: chr7-87092120-C-T.
Other names: c.240G>A, p.Glu80= (NM_018849.3, NM_018850.3); c.240G>A (NM_000443.3).
Identifiers: ClinVar variation 287926 (VCV000287926.12), dbSNP rs8187787, ClinGen allele CA4327591.